The following is an entry in ClinVar:

NM_001024630.4(RUNX2):c.184C>T (p.Gln62Ter)

Genes: RUNX2 (RUNX family transcription factor 2; plus strand), LOC109611589 (runt related transcription factor 2 polyalanine expansion region; plus strand). Cytogenetic location: 6p21.1.
Variant type: single nucleotide variant.
Coding change: c.184C>T on transcript NM_001024630.4 (MANE Select); coding-DNA position 184, C replaced by T.
Protein change: p.Gln62Ter; replaces glutamine 62 with a stop codon.
Molecular consequence: nonsense.
Genome position (GRCh38, 1-based): chr6:45,422,718, C>T. VCF-style: chr6-45422718-C-T. GRCh37 (hg19) VCF-style: chr6-45390455-C-T.
Other names: c.184C>T, p.Gln62Ter (NM_001015051.4); c.142C>T, p.Gln48Ter (NM_001278478.2, NM_001369405.1); short protein forms Q62*, Q48*.
Identifiers: ClinVar variation 1456832 (VCV001456832.6), dbSNP rs2150362256, ClinGen allele CA363957829.

ClinVar aggregate classification (germline): Pathogenic (1 of 4 stars; one submission).

Submission:

Labcorp Genetics (formerly Invitae), Labcorp
Classification: Pathogenic. Last evaluated: 2021-10-27. Review status: criteria provided, single submitter. Criteria: Invitae Variant Classification Sherloc (09022015). Collection method: clinical testing. Allele origin: germline.
Comment: This sequence change creates a premature translational stop signal (p.Gln62*) in the RUNX2 gene. It is expected to result in an absent or disrupted protein product. Loss-of-function variants in RUNX2 are known to be pathogenic (PMID: 10521292, 11857736). This variant is not present in population databases (gnomAD no frequency). For these reasons, this variant has been classified as Pathogenic. This variant has not been reported in the literature in individuals affected with RUNX2-related conditions.

Literature cited by the submitters: PubMed 10521292; PubMed 11857736.